The following is an entry in ClinVar:

ClinVar aggregate classification (germline): Uncertain significance. Review status: criteria provided, multiple submitters, no conflicts (2 of 4 stars). 3 submissions from 3 submitters: Uncertain significance (3). Last evaluated 2022-09-20.

Conditions:
Hereditary cancer-predisposing syndrome. Also called: Hereditary neoplastic syndrome; Neoplastic Syndromes, Hereditary; Tumor predisposition; Hereditary Cancer Syndrome. Identifiers: Orphanet 140162, MedGen C0027672, MeSH D009386, MONDO:0015356.
Microcephaly, normal intelligence and immunodeficiency (NBS). Also called: IMMUNODEFICIENCY, MICROCEPHALY, AND CHROMOSOMAL INSTABILITY; SEEMANOVA SYNDROME II; Nijmegen breakage syndrome; Microcephaly with normal intelligence immunodeficiency and lymphoreticular malignancies; Nonsyndromal microcephaly autosomal recessive with normal intelligence; Seemanova syndrome 2. Identifiers: Orphanet 647, MedGen C0398791, MONDO:0009623, OMIM 251260.

Submissions (3):

Ambry Genetics
Classification: Uncertain significance for Hereditary cancer-predisposing syndrome. Last evaluated: 2022-09-20. Review status: criteria provided, single submitter. Criteria: Ambry Variant Classification Scheme 2023. Collection method: clinical testing. Allele origin: germline.
Comment: The c.2235-3C>T intronic variant results from a C to T substitution 3 nucleotides upstream from coding exon 16 in the NBN gene. This nucleotide position is highly conserved in available vertebrate species. In silico splice site analysis predicts that this alteration will not have any significant effect on splicing. Since supporting evidence is limited at this time, the clinical significance of this alteration remains unclear.

Genome-Nilou Lab
Classification: Uncertain significance for Microcephaly, normal intelligence and immunodeficiency. Last evaluated: 2021-11-07. Review status: criteria provided, single submitter. Criteria: ACMG Guidelines, 2015. Collection method: clinical testing. Allele origin: germline. Affected: no.

Quest Diagnostics Nichols Institute San Juan Capistrano
Classification: Uncertain significance. Last evaluated: 2018-02-27. Review status: criteria provided, single submitter. Criteria: Quest Diagnostics criteria. Collection method: clinical testing. Allele origin: germline.

NM_002485.5(NBN):c.2235-3C>T

Gene: NBN (nibrin; minus strand). Cytogenetic location: 8q21.3.
Variant type: single nucleotide variant.
Coding change: c.2235-3C>T on transcript NM_002485.5 (MANE Select); 3 bases into the intron before coding-DNA position 2235, C replaced by T.
Molecular consequence: intron variant.
Genome position (GRCh38, 1-based): chr8:89,935,615, G>A on the plus strand (C>T on the coding strand, the complement: NBN is on the minus strand). VCF-style: chr8-89935615-G-A. GRCh37 (hg19) VCF-style: chr8-90947843-G-A.
Other names: c.1989-3C>T (NM_001024688.3).
Identifiers: ClinVar variation 481862 (VCV000481862.11), dbSNP rs1554553897, ClinGen allele CA658657781.